The following is an entry in ClinVar:

ClinVar aggregate classification (germline): Conflicting classifications of pathogenicity. Review status: criteria provided, conflicting classifications (1 of 4 stars). 4 submissions from 4 submitters: Pathogenic (1); Likely pathogenic (2); Uncertain significance (1). Last evaluated 2023-03-10.

Conditions:
Long QT syndrome (LQTS). Identifiers: MedGen C0023976, MeSH D008133, MONDO:0002442. Disease mechanism: loss of function. Inheritance: Various modes of inheritance.
Long QT syndrome 1 (LQT1). Identifiers: Orphanet 101016, Orphanet 768, MedGen C4551647, MONDO:0100316, OMIM 192500, MONDO:0008646.

Submissions (4):

Labcorp Genetics (formerly Invitae), Labcorp
Classification: Uncertain significance for Long QT syndrome. Last evaluated: 2023-03-10. Review status: criteria provided, single submitter. Criteria: Invitae Variant Classification Sherloc (09022015). Collection method: clinical testing. Allele origin: germline.
Comment: ClinVar contains an entry for this variant (Variation ID: 200856). In summary, the available evidence is currently insufficient to determine the role of this variant in disease. Therefore, it has been classified as a Variant of Uncertain Significance. Advanced modeling of protein sequence and biophysical properties (such as structural, functional, and spatial information, amino acid conservation, physicochemical variation, residue mobility, and thermodynamic stability) performed at Invitae indicates that this missense variant is expected to disrupt KCNQ1 protein function. This missense change has been observed in individual(s) with long QT syndrome (PMID: 27041150). This variant is not present in population databases (gnomAD no frequency). This sequence change replaces isoleucine, which is neutral and non-polar, with phenylalanine, which is neutral and non-polar, at codon 588 of the KCNQ1 protein (p.Ile588Phe).

MVZ Martinsried, Medicover Genetics
Classification: Likely pathogenic for Long QT syndrome 1. Last evaluated: 2020-05-17. Review status: criteria provided, single submitter. Criteria: ACGS Guidelines, 2020. Collection method: clinical testing. Allele origin: unknown. Affected: yes.

GeneDx
Classification: Likely pathogenic. Last evaluated: 2014-07-18. Review status: criteria provided, single submitter. Criteria: GeneDx Variant Classification (06012015). Collection method: clinical testing. Allele origin: germline. Affected: yes.
Comment: p.Ile588Phe (ATC>TTC): c.1762 A>T in exon 15 of the KCNQ1 gene (NM_000218.2). A I588F variant that is likely pathogenic was identified in the KCNQ1 gene. It has not been published as a mutation, nor has it been reported as a benign polymorphism to our knowledge. The I588F variant was not observed in approximately 6,500 individuals of European and African American ancestry in the NHLBI Exome Sequencing Project, indicating it is not a common benign variant in these populations. The I588F variant is a semi-conservative amino acid substitution, which may impact secondary protein structure as these residues differ in some properties. This substitution occurs at a position that is class conserved across species. In silico analysis predicts this variant is probably damaging to the protein structure/function. Furthermore, missense mutations in nearby residues (R583H, N586S, T587M, G589D, A590T) have been reported in association with LQTS, supporting the functional importance of this region of the protein. Therefore, this variant is a strong candidate for a pathogenic mutation, however the possibility that it is a benign variant cannot be excluded. The variant is found in LQT panel(s).

Institute of Medical Genetics and Genomics, Sir Ganga Ram Hospital
Classification: Pathogenic for Long QT syndrome, LQT1 subtype. Last evaluated: 2012-01-01. Review status: criteria provided, single submitter. Criteria: Vyas et al. (Am J Med Genet A. 2016). Collection method: research. Allele origin: germline. Affected: yes. Observed: 1 variant allele. Study: Life Threatening Long QT Syndromes.

Literature cited by the submitters: PubMed 27041150 (cited by Labcorp Genetics (formerly Invitae), Labcorp).

NM_000218.3(KCNQ1):c.1762A>T (p.Ile588Phe)

Gene: KCNQ1 (potassium voltage-gated channel subfamily Q member 1; plus strand). Cytogenetic location: 11p15.5.
Variant type: single nucleotide variant.
Coding change: c.1762A>T on transcript NM_000218.3 (MANE Select); coding-DNA position 1762, A replaced by T.
Protein change: p.Ile588Phe; replaces isoleucine 588 with phenylalanine.
Molecular consequence: missense variant.
Genome position (GRCh38, 1-based): chr11:2,778,005, A>T. VCF-style: chr11-2778005-A-T. GRCh37 (hg19) VCF-style: chr11-2799235-A-T.
Other names: p.I588F:ATC>TTC; c.1492A>T, p.Ile498Phe (NM_001406837.1); c.1222A>T, p.Ile408Phe (NM_001406838.1); c.274A>T, p.Ile92Phe (NM_001406839.1); c.1381A>T, p.Ile461Phe (NM_181798.2); c.1666A>T, p.Ile556Phe (NM_001406836.1); short protein forms I461F, I588F, I408F, I498F, I92F, I556F.
Identifiers: ClinVar variation 200856 (VCV000200856.11), dbSNP rs794728536, ClinGen allele CA006336.
Genomic context (GRCh38, chr11:2,778,005, plus strand): 5'-GGCCCTGATTTGGGTGTTTTATCCCCCATAGAAAAGAGCAAGGATCGCGGCAGCAACACG[A>T]TCGGCGCCCGCCTGAACCGAGTAGAAGACAAGGTAGGCTCACGCGCCGGCCTGCGGTGGT-3'
Protein context (NP_000209.2, residues 578-598): EKSKDRGSNT[Ile588Phe]GARLNRVEDK